The following is an entry in ClinVar:

ClinVar aggregate classification (germline): Uncertain significance (1 of 4 stars; one submission).

Conditions:
Immunodeficiency 132A. Also called: Herpes simplex encephalitis, susceptibility to, 3. Identifiers: Orphanet 1930, MedGen C3553868, MONDO:0013920, OMIM 614849.

Allele frequency attached by ClinVar (database versions not stated): TOPMed 0.00001; gnomAD exomes 0.00001 and below 0.00001; gnomAD 0.00002.
gnomAD v4.1: 6 of 1,613,794 alleles (0.00037%); highest among the groups gnomAD compares: Non-Finnish European, 0.00051%; no homozygotes.

Submission:

Labcorp Genetics (formerly Invitae), Labcorp
Classification: Uncertain significance for Immunodeficiency 132A. Last evaluated: 2022-11-15. Review status: criteria provided, single submitter. Criteria: Invitae Variant Classification Sherloc (09022015). Collection method: clinical testing. Allele origin: germline.
Comment: This sequence change replaces cysteine, which is neutral and slightly polar, with tyrosine, which is neutral and polar, at codon 296 of the TRAF3 protein (p.Cys296Tyr). In summary, the available evidence is currently insufficient to determine the role of this variant in disease. Therefore, it has been classified as a Variant of Uncertain Significance. Algorithms developed to predict the effect of missense changes on protein structure and function are either unavailable or do not agree on the potential impact of this missense change (SIFT: "Deleterious"; PolyPhen-2: "Benign"; Align-GVGD: "Class C0"). ClinVar contains an entry for this variant (Variation ID: 1376062). This variant has not been reported in the literature in individuals affected with TRAF3-related conditions. This variant is present in population databases (no rsID available, gnomAD 0.002%).

NM_145725.3(TRAF3):c.887G>A (p.Cys296Tyr)

Gene: TRAF3 (TNF receptor associated factor 3; plus strand). Cytogenetic location: 14q32.32.
Variant type: single nucleotide variant.
Coding change: c.887G>A on transcript NM_145725.3 (MANE Select); coding-DNA position 887, G replaced by A.
Protein change: p.Cys296Tyr; replaces cysteine 296 with tyrosine.
Molecular consequence: missense variant. On other transcripts: intron variant (1).
Genome position (GRCh38, 1-based): chr14:102,897,328, G>A. VCF-style: chr14-102897328-G-A. GRCh37 (hg19) VCF-style: chr14-103363665-G-A.
Other names: c.638G>A, p.Cys213Tyr (NM_001199427.2); c.806G>A, p.Cys269Tyr (NM_001385143.1); c.887G>A, p.Cys296Tyr (NM_003300.4); c.812G>A, p.Cys271Tyr (NM_145726.3); c.819+5911G>A (NM_001385142.1); short protein forms C269Y, C271Y, C296Y, C213Y.
Identifiers: ClinVar variation 1376062 (VCV001376062.6), dbSNP rs1415481906, ClinGen allele CA391073825.
Genomic context (GRCh38, chr14:102,897,328, plus strand): 5'-TGTTGCAGAATGAAAGTGTAGAAAAAAACAAGAGCATACAAAGTTTGCACAATCAGATAT[G>A]TAGCTTTGAAATTGAAATTGAGAGACAAAAGGAAATGCTTCGAAATAATGAATCCAAAAT-3'
Protein context (NP_663777.1, residues 286-306): KSIQSLHNQI[Cys296Tyr]SFEIEIERQK